The following is an entry in ClinVar:

ClinVar aggregate classification (germline): Uncertain significance. Review status: criteria provided, multiple submitters, no conflicts (2 of 4 stars). 2 submissions from 2 submitters: Uncertain significance (2). Last evaluated 2025-05-10.

Conditions:
KIF1A related neurological disorder. Identifiers: MedGen CN312623, MONDO:0700055.
Hereditary spastic paraplegia 30. Identifiers: Orphanet 101010, MedGen C5235139, MONDO:0012476.
Neuropathy, hereditary sensory, type 2C. Also called: Hereditary sensory and autonomic neuropathy type IIC; KIF1A-Related HSAN2 (HSAN2C). Identifiers: Orphanet 970, MedGen C3280168, MONDO:0013634, OMIM 614213.
Intellectual disability, autosomal dominant 9 (NESCAVS). Also called: NESCAV SYNDROME; KIF1A-Related Neurodevelopmental Disorder. Identifiers: Orphanet 662367, MedGen C5393830, MONDO:0013656, OMIM 614255.

Allele frequency attached by ClinVar (database versions not stated): TOPMed below 0.00001.
gnomAD v4.1: 11 of 1,607,688 alleles (0.00068%); highest among the groups gnomAD compares: South Asian, 0.0011%; no homozygotes.

Submissions (2):

Labcorp Genetics (formerly Invitae), Labcorp
Classification: Uncertain significance for Hereditary spastic paraplegia 30; Neuropathy, hereditary sensory, type 2C; Intellectual disability, autosomal dominant 9. Last evaluated: 2025-05-10. Review status: criteria provided, single submitter. Criteria: Invitae Variant Classification Sherloc (09022015). Collection method: clinical testing. Allele origin: germline.
Comment: This sequence change falls in intron 25 of the KIF1A gene. It does not directly change the encoded amino acid sequence of the KIF1A protein. It affects a nucleotide within the consensus splice site. This variant is not present in population databases (gnomAD no frequency). This variant has not been reported in the literature in individuals affected with KIF1A-related conditions. ClinVar contains an entry for this variant (Variation ID: 1428612). Variants that disrupt the consensus splice site are a relatively common cause of aberrant splicing (PMID: 17576681, 9536098). Algorithms developed to predict the effect of sequence changes on RNA splicing suggest that this variant is not likely to affect RNA splicing. In summary, the available evidence is currently insufficient to determine the role of this variant in disease. Therefore, it has been classified as a Variant of Uncertain Significance.

Victorian Clinical Genetics Services, Murdoch Childrens Research Institute
Classification: Uncertain significance for KIF1A related neurological disorder. Last evaluated: 2020-05-21. Review status: criteria provided, single submitter. Criteria: ACMG Guidelines, 2015. Collection method: clinical testing. Allele origin: germline.
Comment: Based on the classification scheme VCGS_Germline_v1.1.1, this variant is classified as 3C-VUS. Following criteria are met: 0103 - Both loss- and gain-of-function are known mechanisms of disease for this gene (Klebe, S. et al. (2012), Chiba, K. et al. (2019)). (N) 0104 - Dominant Negative is a mechanism of disease for this gene (Cheon, C. et al. (2017)). (N) 0108 - This gene is known to be associated with both recessive and dominant disease (OMIM). (N) 0212 - Non-canonical splice variant without proven consequence on splicing (no functional evidence available) (intron 26). (P) 0251 - Variant is heterozygous. (N) 0301 - Variant is absent from gnomAD. (P) 0506 - Abnormal splicing is not predicted and nucleotide is poorly conserved. (B) 0705 - No comparable variants have previous evidence for pathogenicity. (N) 0807 - Variant has not previously been reported in a clinical context. (N) 0905 - No segregation evidence has been identified for this variant. (N) 1007 - No published functional evidence has been identified for this variant. (N) 1208 - Inheritance information for this variant is not currently available. (N) Legend: (P) - Pathogenic, (N) - Neutral, (B) - Benign

Literature cited by the submitters: PubMed 17576681 (cited by Labcorp Genetics (formerly Invitae), Labcorp); PubMed 9536098 (cited by Labcorp Genetics (formerly Invitae), Labcorp); PubMed 22258533 (cited by Victorian Clinical Genetics Services, Murdoch Childrens Research Institute); PubMed 28970574 (cited by Victorian Clinical Genetics Services, Murdoch Childrens Research Institute); PubMed 31455732 (cited by Victorian Clinical Genetics Services, Murdoch Childrens Research Institute).

NM_001244008.2(KIF1A):c.2977+4C>T

Gene: KIF1A (kinesin family member 1A; minus strand). Cytogenetic location: 2q37.3.
Variant type: single nucleotide variant.
Coding change: c.2977+4C>T on transcript NM_001244008.2 (MANE Select); 4 bases into the intron after coding-DNA position 2977, C replaced by T.
Molecular consequence: intron variant.
Genome position (GRCh38, 1-based): chr2:240,750,425, G>A on the plus strand (C>T on the coding strand, the complement: KIF1A is on the minus strand). VCF-style: chr2-240750425-G-A. GRCh37 (hg19) VCF-style: chr2-241689842-G-A.
Other names: c.2674+4C>T (NM_001379653.1, NM_001379650.1, NM_001379640.1 and 7 more transcripts); c.2950+4C>T (NM_001379645.1, NM_001379633.1, NM_001379642.1); c.2776+4C>T (NM_001379635.1, NM_001330290.2, NM_001379646.1 and 1 more transcripts); c.2926+4C>T (NM_001379632.1); c.2749+4C>T (NM_001379637.1, NM_001379648.1); c.2701+4C>T (NM_001320705.2, NM_001379638.1, NM_001330289.2); c.3052+4C>T (NM_001379631.1).
Identifiers: ClinVar variation 1428612 (VCV001428612.7), dbSNP rs1447106610, ClinGen allele CA540551090.